The following is an entry in ClinVar:

NM_022047.4(DEF6):c.589G>A (p.Val197Met)

Gene: DEF6 (DEF6 guanine nucleotide exchange factor; plus strand). Cytogenetic location: 6p21.31.
Variant type: single nucleotide variant.
Coding change: c.589G>A on transcript NM_022047.4 (MANE Select); coding-DNA position 589, G replaced by A.
Protein change: p.Val197Met; replaces valine 197 with methionine.
Molecular consequence: missense variant.
Genome position (GRCh38, 1-based): chr6:35,312,467, G>A. VCF-style: chr6-35312467-G-A. GRCh37 (hg19) VCF-style: chr6-35280244-G-A.
Other names: c.589G>A (NM_022047.3); short protein forms V197M.
Identifiers: ClinVar variation 1418049 (VCV001418049.5), dbSNP rs200254432, ClinGen allele CA3770753.

ClinVar aggregate classification (germline): Conflicting classifications of pathogenicity. Review status: criteria provided, conflicting classifications (1 of 4 stars). 3 submissions from 3 submitters: Uncertain significance (2); Likely benign (1). Last evaluated 2024-08-21.

Allele frequency attached by ClinVar (database versions not stated): gnomAD exomes 0.00006 and 0.00012; ExAC 0.00008; ESP Exome Variant Server 0.00023; gnomAD 0.00046 and 0.00051; TOPMed 0.00059.
gnomAD v4.1: 171 of 1,614,058 alleles (0.011%); highest among the groups gnomAD compares: African/African-American, 0.14%; 1 homozygote.

Submissions (3):

Blueprint Genetics
Classification: Likely benign. Last evaluated: 2024-08-21. Review status: criteria provided, single submitter. Criteria: ACMG Guidelines, 2015. Collection method: clinical testing. Allele origin: germline.

Ambry Genetics
Classification: Uncertain significance. Last evaluated: 2022-12-21. Review status: criteria provided, single submitter. Criteria: Ambry Variant Classification Scheme 2023. Collection method: clinical testing. Allele origin: germline.

Labcorp Genetics (formerly Invitae), Labcorp
Classification: Uncertain significance. Last evaluated: 2022-08-31. Review status: criteria provided, single submitter. Criteria: Invitae Variant Classification Sherloc (09022015). Collection method: clinical testing. Allele origin: germline.
Comment: This sequence change replaces valine, which is neutral and non-polar, with methionine, which is neutral and non-polar, at codon 197 of the DEF6 protein (p.Val197Met). This variant is present in population databases (rs200254432, gnomAD 0.1%). This variant has not been reported in the literature in individuals affected with DEF6-related conditions. ClinVar contains an entry for this variant (Variation ID: 1418049). Algorithms developed to predict the effect of missense changes on protein structure and function (SIFT, PolyPhen-2, Align-GVGD) all suggest that this variant is likely to be tolerated. In summary, the available evidence is currently insufficient to determine the role of this variant in disease. Therefore, it has been classified as a Variant of Uncertain Significance.